The following is an entry in ClinVar:

NM_004606.5(TAF1):c.5315T>G (p.Met1772Arg)

Gene: TAF1 (TATA-box binding protein associated factor 1; plus strand). Cytogenetic location: Xq13.1.
Variant type: single nucleotide variant.
Coding change: c.5315T>G on transcript NM_004606.5 (MANE Select); coding-DNA position 5315, T replaced by G.
Protein change: p.Met1772Arg; replaces methionine 1772 with arginine.
Molecular consequence: missense variant. On other transcripts: non-coding transcript variant (9).
Genome position (GRCh38, 1-based): chrX:71,460,719, T>G. VCF-style: chrX-71460719-T-G. GRCh37 (hg19) VCF-style: chrX-70680569-T-G.
Other names: c.5321T>G, p.Met1774Arg (NM_001286074.2); c.5252T>G, p.Met1751Arg (NM_138923.4); short protein forms M1751R, M1772R, M1774R.
Identifiers: ClinVar variation 3731371 (VCV003731371.1).

ClinVar aggregate classification (germline): Uncertain significance (1 of 4 stars; one submission).

Conditions:
Intellectual developmental disorder, X-linked, syndromic 33. Also called: Intellectual disability, X-linked, syndromic 33; X-linked intellectual disability-global development delay-facial dysmorphism-sacral caudal remnant syndrome. Identifiers: Orphanet 480907, MedGen C4225418, MONDO:0010500, OMIM 300966.

Submission:

Neuberg Centre For Genomic Medicine, NCGM
Classification: Uncertain significance for Intellectual developmental disorder, X-linked, syndromic 33. Last evaluated: 2023-06-22. Review status: criteria provided, single submitter. Criteria: ACMG Guidelines, 2015. Collection method: clinical testing. Allele origin: germline. Inheritance: X-linked recessive inheritance. Affected: yes.
Comment: The missense c.5315T>G(p.Met1772Arg) variant in TAF1 gene has not been reported previously as a pathogenic variant nor as a benign variant, to our knowledge. The p.Met1772Arg variant is absent in gnomAD Exomes. This variant has not been submitted to the ClinVar database. Multiple lines of computational evidences (Polyphen - Possibly damaging, SIFT - Damaging and MutationTaster - Disease causing) predict a damaging effect on protein structure and function for this variant. The reference amino acid at this position on TAF1 gene is predicted as conserved by GERP++ and PhyloP across 100 vertebrates. The amino acid Met at position 1772 is changed to a Arg changing protein sequence and it might alter its composition and physico-chemical properties. For these reasons, this variant has been classified as a Variant of Uncertain Significance (VUS).